The following is an entry in ClinVar:

NM_000168.6(GLI3):c.1706C>T (p.Ser569Phe)

Gene: GLI3 (GLI family zinc finger 3; minus strand). Cytogenetic location: 7p14.1.
Variant type: single nucleotide variant.
Coding change: c.1706C>T on transcript NM_000168.6 (MANE Select); coding-DNA position 1706, C replaced by T.
Protein change: p.Ser569Phe; replaces serine 569 with phenylalanine.
Molecular consequence: missense variant.
Genome position (GRCh38, 1-based): chr7:41,977,664, G>A on the plus strand (C>T on the coding strand, the complement: GLI3 is on the minus strand). VCF-style: chr7-41977664-G-A. GRCh37 (hg19) VCF-style: chr7-42017263-G-A.
Other names: short protein forms S569F.
Identifiers: ClinVar variation 1303927 (VCV001303927.2), dbSNP rs201268608, ClinGen allele CA367324797.

ClinVar aggregate classification (germline): Uncertain significance (1 of 4 stars; one submission).

Allele frequency attached by ClinVar (database versions not stated): gnomAD exomes below 0.00001.

Submission:

GeneDx
Classification: Uncertain significance. Last evaluated: 2019-10-14. Review status: criteria provided, single submitter. Criteria: GeneDx Variant Classification Process June 2021. Collection method: clinical testing. Allele origin: germline. Affected: yes.
Comment: Not observed in large population cohorts (Lek et al., 2016); In silico analysis, which includes protein predictors and evolutionary conservation, supports a deleterious effect; Has not been previously published as pathogenic or benign to our knowledge